The following is an entry in ClinVar:

ClinVar aggregate classification (germline): Benign. Review status: criteria provided, multiple submitters, no conflicts (2 of 4 stars). 4 submissions from 4 submitters: Benign (3). 1 of the submissions does not count toward it. Last evaluated 2023-09-24.

Conditions:
SLFN14-related disorder. Also called: SLFN14-related condition.

Allele frequency attached by ClinVar (database versions not stated): ExAC 0.00789; 1000 Genomes Project 0.01897; gnomAD 0.01944 and 0.02104; gnomAD exomes 0.00196 and 0.00481; ESP Exome Variant Server 0.02015; 1000 Genomes Project 30x 0.02092; TOPMed 0.02296.

Submissions (4):

Mayo Clinic Laboratories, Mayo Clinic
Classification: Benign. Last evaluated: 2023-09-24. Review status: criteria provided, single submitter. Criteria: ACMG Guidelines, 2015. Collection method: clinical testing. Allele origin: germline. Observed: 20 variant alleles.

Labcorp Genetics (formerly Invitae), Labcorp
Classification: Benign. Last evaluated: 2019-12-31. Review status: criteria provided, single submitter. Criteria: Invitae Variant Classification Sherloc (09022015). Collection method: clinical testing. Allele origin: germline.

Breakthrough Genomics
Classification: Benign. Review status: criteria provided, single submitter. Criteria: ACMG Guidelines, 2015. Collection method: not provided. Allele origin: germline. Inheritance: Autosomal dominant inheritance. Affected: yes.

PreventionGenetics, part of Exact Sciences
Classification: Benign for SLFN14-related condition. Last evaluated: 2024-03-05. Review status: no assertion criteria provided. Collection method: clinical testing. Allele origin: germline. Not counted in ClinVar's aggregate classification.
Comment: This variant is classified as benign based on ACMG/AMP sequence variant interpretation guidelines (Richards et al. 2015 PMID: 25741868, with internal and published modifications).

NM_001129820.2(SLFN14):c.1839G>A (p.Leu613=)

Gene: SLFN14 (schlafen family member 14; minus strand). Cytogenetic location: 17q12.
Variant type: single nucleotide variant.
Coding change: c.1839G>A on transcript NM_001129820.2 (MANE Select); coding-DNA position 1839, G replaced by A.
Protein change: p.Leu613=; no amino-acid change (leucine 613 retained).
Molecular consequence: synonymous variant.
Genome position (GRCh38, 1-based): chr17:35,552,795, C>T on the plus strand (G>A on the coding strand, the complement: SLFN14 is on the minus strand). VCF-style: chr17-35552795-C-T. GRCh37 (hg19) VCF-style: chr17-33879814-C-T.
Other names: p.Leu613=.
Identifiers: ClinVar variation 777162 (VCV000777162.7), dbSNP rs73992856, ClinGen allele CA8504594.